The following is an entry in ClinVar:

NM_012414.4(RAB3GAP2):c.2310+5G>A

Gene: RAB3GAP2 (RAB3 GTPase activating non-catalytic protein subunit 2; minus strand). Cytogenetic location: 1q41.
Variant type: single nucleotide variant.
Coding change: c.2310+5G>A on transcript NM_012414.4 (MANE Select); 5 bases into the intron after coding-DNA position 2310, G replaced by A.
Molecular consequence: intron variant.
Genome position (GRCh38, 1-based): chr1:220,182,252, C>T on the plus strand (G>A on the coding strand, the complement: RAB3GAP2 is on the minus strand). VCF-style: chr1-220182252-C-T. GRCh37 (hg19) VCF-style: chr1-220355594-C-T.
Identifiers: ClinVar variation 4792475 (VCV004792475.1).

ClinVar aggregate classification (germline): Uncertain significance (1 of 4 stars; one submission).

Conditions:
Warburg micro syndrome 2 (WARBM2). Also called: MICRO SYNDROME 2. Identifiers: Orphanet 2510, MedGen C3280214, MONDO:0013641, OMIM 614225.
Martsolf syndrome (MARTS). Also called: Congenital cataract with intellectual disability and hypogonadotropic hypogonadism syndrome. Identifiers: Orphanet 1387, MedGen C0796037, MONDO:0023910.

gnomAD v4.1: 3 of 1,613,814 alleles (0.00019%); highest among the groups gnomAD compares: Non-Finnish European, 0.00025%; no homozygotes.

Submission:

Labcorp Genetics (formerly Invitae), Labcorp
Classification: Uncertain significance for Martsolf syndrome; Warburg micro syndrome 2. Last evaluated: 2025-02-13. Review status: criteria provided, single submitter. Criteria: Invitae Variant Classification Sherloc (09022015). Collection method: clinical testing. Allele origin: germline.
Comment: This sequence change falls in intron 21 of the RAB3GAP2 gene. It does not directly change the encoded amino acid sequence of the RAB3GAP2 protein. It affects a nucleotide within the consensus splice site. This variant is not present in population databases (gnomAD no frequency). This variant has not been reported in the literature in individuals affected with RAB3GAP2-related conditions. Variants that disrupt the consensus splice site are a relatively common cause of aberrant splicing (PMID: 17576681, 9536098). Algorithms developed to predict the effect of sequence changes on RNA splicing suggest that this variant may disrupt the consensus splice site. In summary, the available evidence is currently insufficient to determine the role of this variant in disease. Therefore, it has been classified as a Variant of Uncertain Significance.

Literature cited by the submitters: PubMed 17576681; PubMed 9536098.